The following is an entry in ClinVar:

ClinVar aggregate classification (germline): Uncertain significance (1 of 4 stars; one submission).

Submission:

Labcorp Genetics (formerly Invitae), Labcorp
Classification: Uncertain significance. Last evaluated: 2023-05-15. Review status: criteria provided, single submitter. Criteria: Invitae Variant Classification Sherloc (09022015). Collection method: clinical testing. Allele origin: germline.
Comment: In summary, the available evidence is currently insufficient to determine the role of this variant in disease. Therefore, it has been classified as a Variant of Uncertain Significance. Algorithms developed to predict the effect of sequence changes on RNA splicing suggest that this variant may disrupt the consensus splice site. An algorithm developed to predict the effect of missense changes on protein structure and function (PolyPhen-2) suggests that this variant is likely to be disruptive. This variant has not been reported in the literature in individuals affected with C6-related conditions. This variant is not present in population databases (gnomAD no frequency). This sequence change replaces glycine, which is neutral and non-polar, with valine, which is neutral and non-polar, at codon 680 of the C6 protein (p.Gly680Val).

NM_000065.5(C6):c.2039G>T (p.Gly680Val)

Gene: C6 (complement C6; minus strand). Cytogenetic location: 5p13.1.
Variant type: single nucleotide variant.
Coding change: c.2039G>T on transcript NM_000065.5 (MANE Select); coding-DNA position 2039, G replaced by T.
Protein change: p.Gly680Val; replaces glycine 680 with valine.
Molecular consequence: missense variant.
Genome position (GRCh38, 1-based): chr5:41,155,034, C>A on the plus strand (G>T on the coding strand, the complement: C6 is on the minus strand). VCF-style: chr5-41155034-C-A. GRCh37 (hg19) VCF-style: chr5-41155136-C-A.
Other names: c.2039G>T, p.Gly680Val (NM_001115131.4); short protein forms G680V.
Identifiers: ClinVar variation 2864484 (VCV002864484.3), dbSNP rs2478330150, ClinGen allele CA359595729.